The following is an entry in ClinVar:

NM_002016.2(FLG):c.5368C>T (p.Gln1790Ter)

Genes: FLG (filaggrin; minus strand), CCDST (cervical cancer associated DHX9 suppressive transcript; plus strand). Cytogenetic location: 1q21.3.
Variant type: single nucleotide variant.
Coding change: c.5368C>T on transcript NM_002016.2 (MANE Select); coding-DNA position 5368, C replaced by T.
Protein change: p.Gln1790Ter; replaces glutamine 1790 with a stop codon.
Molecular consequence: nonsense.
Genome position (GRCh38, 1-based): chr1:152,309,518, G>A on the plus strand (C>T on the coding strand, the complement: FLG is on the minus strand). VCF-style: chr1-152309518-G-A. GRCh37 (hg19) VCF-style: chr1-152281994-G-A.
Other names: short protein forms Q1790*.
Identifiers: ClinVar variation 1032025 (VCV001032025.5), dbSNP rs200622741, ClinGen allele CA1105800.

ClinVar aggregate classification (germline): Pathogenic. Review status: criteria provided, multiple submitters, no conflicts (2 of 4 stars). 3 submissions from 3 submitters: Pathogenic (3). Last evaluated 2023-05-31.

Conditions:
Dermatitis, atopic, 2. Identifiers: MedGen C1853965, MONDO:0011596, OMIM 605803.
Ichthyosis vulgaris. Also called: ICHTHYOSIS SIMPLEX; Dominant ichthyosis vulgaris. Identifiers: MedGen C0079584, MONDO:0024304, OMIM 146700.

Allele frequency attached by ClinVar (database versions not stated): TOPMed 0.00006.
gnomAD v4.1: 36 of 1,613,798 alleles (0.0022%); highest among the groups gnomAD compares: East Asian, 0.078%; no homozygotes.

Submissions (3):

GeneDx
Classification: Pathogenic. Last evaluated: 2023-05-31. Review status: criteria provided, single submitter. Criteria: GeneDx Variant Classification Process June 2021. Collection method: clinical testing. Allele origin: germline. Affected: yes.
Comment: Identified in the heterozygous state in a patient with atopic dermatitis (Zhang et al., 2011); Nonsense variant predicted to result in protein truncation, as the last 2272 amino acids are lost, and other loss-of-function variants have been reported downstream in HGMD; This variant is associated with the following publications: (PMID: 24629053, 33047146, 21039602, 27519469)

Baylor Genetics
Classification: Pathogenic for Ichthyosis vulgaris. Last evaluated: 2018-01-26. Review status: criteria provided, single submitter. Criteria: ACMG Guidelines, 2015. Collection method: clinical testing. Allele origin: maternal. Affected: yes.
Comment: This variant was determined to be pathogenic according to ACMG Guidelines, 2015 [PMID:25741868]. This variant has been previously reported in patients with ichthyosis vulgaris [PMID 21039602, 24629053, 27519469]

Juno Genomics, Hangzhou Juno Genomics, Inc
Classification: Pathogenic for Dermatitis, atopic, 2; Ichthyosis vulgaris. Review status: criteria provided, single submitter. Criteria: ACMG Guidelines, 2015. Collection method: clinical testing. Allele origin: germline. Affected: yes.
Comment: Null variant in a gene where loss of function (LOF) is a known mechanism of disease.;The prevalence of the variant in affected individuals is significantly increased compared to the prevalence in controls.;For recessive disorders, detected in trans with a pathogenic variant.;Patient's phenotype or family history is highly specific for a disease with a single genetic etiology.

Literature cited by the submitters: PubMed 21039602 (cited by Baylor Genetics); PubMed 24629053 (cited by Baylor Genetics); PubMed 27519469 (cited by Baylor Genetics).